The following is an entry in ClinVar:

ClinVar aggregate classification (germline): Likely pathogenic (1 of 4 stars; one submission).

Conditions:
Cerebral arteriopathy, autosomal dominant, with subcortical infarcts and leukoencephalopathy, type 1 (CADASIL1). Also called: DEMENTIA, HEREDITARY MULTIINFARCT TYPE; CADASIL 1; CASIL; Cerebral arteriopathy with subcortical infarcts and leukoencephalopathy 1. Identifiers: Orphanet 136, MedGen C4551768, MONDO:0000914, OMIM 125310.
Lateral meningocele syndrome (LMNS). Also called: NOTCH3-Related Lateral Meningocele Syndrome. Identifiers: Orphanet 2789, MedGen C1851710, MONDO:0007537, OMIM 130720.
Sneddon syndrome (SNDNS). Also called: Idiopathic livedo reticularis with systemic involvement; LIVEDO RETICULARIS AND CEREBROVASCULAR ACCIDENTS. Identifiers: Orphanet 820, MedGen C0282492, MONDO:0008436, OMIM 182410.
Myofibromatosis, infantile, 2. Identifiers: Orphanet 2591, MedGen C3809084, MONDO:0014122, OMIM 615293.

Allele frequency attached by ClinVar (database versions not stated): TOPMed below 0.00001.
gnomAD v4.1: 2 of 1,607,646 alleles (0.00012%); highest among the groups gnomAD compares: Non-Finnish European, 0.00017%; no homozygotes.

Submission:

Labcorp Genetics (formerly Invitae), Labcorp
Classification: Likely pathogenic. Last evaluated: 2021-12-31. Review status: criteria provided, single submitter. Criteria: Invitae Variant Classification Sherloc (09022015). Collection method: clinical testing. Allele origin: germline.
Comment: This sequence change replaces glycine, which is neutral and non-polar, with cysteine, which is neutral and slightly polar, at codon 481 of the NOTCH3 protein (p.Gly481Cys). This variant is not present in population databases (gnomAD no frequency). This missense change has been observed in individual(s) with cerebral arteriopathy with subcortical infarcts and leukoencephalopathy (PMID: 32277177; Invitae). It has also been observed to segregate with disease in related individuals. Advanced modeling of protein sequence and biophysical properties (such as structural, functional, and spatial information, amino acid conservation, physicochemical variation, residue mobility, and thermodynamic stability) performed at Invitae indicates that this missense variant is expected to disrupt NOTCH3 protein function. In summary, the currently available evidence indicates that the variant is pathogenic, but additional data are needed to prove that conclusively. Therefore, this variant has been classified as Likely Pathogenic.

Literature cited by the submitters: PubMed 32277177 (cited by Labcorp Genetics (formerly Invitae), Labcorp).

NM_000435.3(NOTCH3):c.1441G>T (p.Gly481Cys)

Gene: NOTCH3 (notch receptor 3; minus strand). Cytogenetic location: 19p13.12.
Variant type: single nucleotide variant.
Coding change: c.1441G>T on transcript NM_000435.3 (MANE Select); coding-DNA position 1441, G replaced by T.
Protein change: p.Gly481Cys; replaces glycine 481 with cysteine.
Molecular consequence: missense variant.
Genome position (GRCh38, 1-based): chr19:15,188,286, C>A on the plus strand (G>T on the coding strand, the complement: NOTCH3 is on the minus strand). VCF-style: chr19-15188286-C-A. GRCh37 (hg19) VCF-style: chr19-15299097-C-A.
Other names: c.1441G>T (NM_000435.2); short protein forms G481C.
Identifiers: ClinVar variation 1508045 (VCV001508045.9), dbSNP rs1263780227, ClinGen allele CA404526960.